The following is an entry in ClinVar:

ClinVar aggregate classification (germline): Uncertain significance. Review status: criteria provided, multiple submitters, no conflicts (2 of 4 stars). 2 submissions from 2 submitters: Uncertain significance (2). Last evaluated 2022-12-06.

Conditions:
Peters plus syndrome. Also called: KRAUSE-KIVLIN SYNDROME. Identifiers: Orphanet 709, MedGen C0796012, MONDO:0009856, OMIM 261540.
Inborn genetic diseases. Identifiers: MedGen C0950123, MeSH D030342.

gnomAD v4.1: 17 of 1,584,626 alleles (0.0011%); highest among the groups gnomAD compares: Admixed American, 0.025%; no homozygotes.

Submissions (2):

Labcorp Genetics (formerly Invitae), Labcorp
Classification: Uncertain significance for Peters plus syndrome. Last evaluated: 2022-12-06. Review status: criteria provided, single submitter. Criteria: Invitae Variant Classification Sherloc (09022015). Collection method: clinical testing. Allele origin: germline.
Comment: In summary, the available evidence is currently insufficient to determine the role of this variant in disease. Therefore, it has been classified as a Variant of Uncertain Significance. Advanced modeling of protein sequence and biophysical properties (such as structural, functional, and spatial information, amino acid conservation, physicochemical variation, residue mobility, and thermodynamic stability) performed at Invitae indicates that this missense variant is not expected to disrupt B3GLCT protein function. This variant has not been reported in the literature in individuals affected with B3GLCT-related conditions. This variant is present in population databases (rs116754126, gnomAD 0.03%). This sequence change replaces isoleucine, which is neutral and non-polar, with phenylalanine, which is neutral and non-polar, at codon 286 of the B3GLCT protein (p.Ile286Phe).

Ambry Genetics
Classification: Uncertain significance for Inborn genetic diseases. Last evaluated: 2021-10-26. Review status: criteria provided, single submitter. Criteria: Ambry Variant Classification Scheme 2023. Collection method: clinical testing. Allele origin: germline.

NM_194318.4(B3GLCT):c.856A>T (p.Ile286Phe)

Gene: B3GLCT (beta 3-glucosyltransferase; plus strand). Cytogenetic location: 13q12.3.
Variant type: single nucleotide variant.
Coding change: c.856A>T on transcript NM_194318.4 (MANE Select); coding-DNA position 856, A replaced by T.
Protein change: p.Ile286Phe; replaces isoleucine 286 with phenylalanine.
Molecular consequence: missense variant.
Genome position (GRCh38, 1-based): chr13:31,284,653, A>T. VCF-style: chr13-31284653-A-T. GRCh37 (hg19) VCF-style: chr13-31858790-A-T.
Other names: short protein forms I286F.
Identifiers: ClinVar variation 1977735 (VCV001977735.6), dbSNP rs116754126, ClinGen allele CA6936753.